The following is an entry in ClinVar:

NM_130384.3(ATRIP):c.463G>T (p.Val155Phe)

Genes: ATRIP (ATR interacting protein; plus strand), ATRIP-TREX1 (ATRIP-TREX1 readthrough; plus strand). Cytogenetic location: 3p21.31.
Variant type: single nucleotide variant.
Coding change: c.463G>T on transcript NM_130384.3 (MANE Select); coding-DNA position 463, G replaced by T.
Protein change: p.Val155Phe; replaces valine 155 with phenylalanine.
Molecular consequence: missense variant. On other transcripts: non-coding transcript variant (1).
Genome position (GRCh38, 1-based): chr3:48,451,810, G>T. VCF-style: chr3-48451810-G-T. GRCh37 (hg19) VCF-style: chr3-48493216-G-T.
Other names: c.463G>T (NM_130384.1); c.82G>T, p.Val28Phe (NM_001271022.2); c.184G>T, p.Val62Phe (NM_001271023.2); c.463G>T, p.Val155Phe (NM_032166.4); short protein forms V155F, V28F, V62F.
Identifiers: ClinVar variation 3667661 (VCV003667661.4).

ClinVar aggregate classification (germline): Uncertain significance. Review status: criteria provided, multiple submitters, no conflicts (2 of 4 stars). 2 submissions from 2 submitters: Uncertain significance (2). Last evaluated 2025-11-03.

Submissions (2):

Ambry Genetics
Classification: Uncertain significance. Last evaluated: 2025-11-03. Review status: criteria provided, single submitter. Criteria: Ambry Variant Classification Scheme 2023. Collection method: clinical testing. Allele origin: germline.
Comment: The p.V155F variant (also known as c.463G>T), located in coding exon 3 of the ATRIP gene, results from a G to T substitution at nucleotide position 463. The valine at codon 155 is replaced by phenylalanine, an amino acid with highly similar properties. This amino acid position is conserved. In addition, this alteration is predicted to be tolerated by in silico analysis. Based on the available evidence, the clinical significance of this variant remains unclear.

Labcorp Genetics (formerly Invitae), Labcorp
Classification: Uncertain significance. Last evaluated: 2024-09-28. Review status: criteria provided, single submitter. Criteria: Invitae Variant Classification Sherloc (09022015). Collection method: clinical testing. Allele origin: germline.
Comment: This sequence change replaces valine, which is neutral and non-polar, with phenylalanine, which is neutral and non-polar, at codon 155 of the ATRIP protein (p.Val155Phe). This variant is present in population databases (rs370971747, gnomAD 0.0009%). This variant has not been reported in the literature in individuals affected with ATRIP-related conditions. An algorithm developed to predict the effect of missense changes on protein structure and function (PolyPhen-2) suggests that this variant is likely to be tolerated. In summary, the available evidence is currently insufficient to determine the role of this variant in disease. Therefore, it has been classified as a Variant of Uncertain Significance.